The following is an entry in ClinVar:

NM_212482.4(FN1):c.604G>A (p.Glu202Lys)

Gene: FN1 (fibronectin 1; minus strand). Cytogenetic location: 2q35.
Variant type: single nucleotide variant.
Coding change: c.604G>A on transcript NM_212482.4 (MANE Select); coding-DNA position 604, G replaced by A.
Protein change: p.Glu202Lys; replaces glutamic acid 202 with lysine.
Molecular consequence: missense variant.
Genome position (GRCh38, 1-based): chr2:215,430,796, C>T on the plus strand (G>A on the coding strand, the complement: FN1 is on the minus strand). VCF-style: chr2-215430796-C-T. GRCh37 (hg19) VCF-style: chr2-216295519-C-T.
Other names: c.604G>A (NM_212482.1); c.604G>A, p.Glu202Lys (NM_001306129.2, NM_001306130.2, NM_001306131.2 and 14 more transcripts); short protein forms E202K.
Identifiers: ClinVar variation 1347552 (VCV001347552.7), dbSNP rs762827742, ClinGen allele CA2095500.

ClinVar aggregate classification (germline): Conflicting classifications of pathogenicity. Review status: criteria provided, conflicting classifications (1 of 4 stars). 2 submissions from 2 submitters: Uncertain significance (1); Likely benign (1). Last evaluated 2025-02-23.

Conditions:
Inborn genetic diseases. Identifiers: MedGen C0950123, MeSH D030342.

Allele frequency attached by ClinVar (database versions not stated): ExAC 0.00001; gnomAD exomes 0.00001.

Submissions (2):

Ambry Genetics
Classification: Likely benign for Inborn genetic diseases. Last evaluated: 2025-02-23. Review status: criteria provided, single submitter. Criteria: Ambry Variant Classification Scheme 2023. Collection method: clinical testing. Allele origin: germline.

Labcorp Genetics (formerly Invitae), Labcorp
Classification: Uncertain significance. Last evaluated: 2022-09-07. Review status: criteria provided, single submitter. Criteria: Invitae Variant Classification Sherloc (09022015). Collection method: clinical testing. Allele origin: germline.
Comment: In summary, the available evidence is currently insufficient to determine the role of this variant in disease. Therefore, it has been classified as a Variant of Uncertain Significance. Algorithms developed to predict the effect of missense changes on protein structure and function are either unavailable or do not agree on the potential impact of this missense change (SIFT: "Not Available"; PolyPhen-2: "Probably Damaging"; Align-GVGD: "Not Available"). ClinVar contains an entry for this variant (Variation ID: 1347552). This variant has not been reported in the literature in individuals affected with FN1-related conditions. This variant is present in population databases (rs762827742, gnomAD 0.01%). This sequence change replaces glutamic acid, which is acidic and polar, with lysine, which is basic and polar, at codon 202 of the FN1 protein (p.Glu202Lys).